The following is an entry in ClinVar:

ClinVar aggregate classification (germline): Uncertain significance. Review status: criteria provided, multiple submitters, no conflicts (2 of 4 stars). 2 submissions from 2 submitters: Uncertain significance (2). Last evaluated 2024-11-23.

Conditions:
Pulmonary fibrosis and/or bone marrow failure, Telomere-related, 3. Also called: PULMONARY FIBROSIS AND/OR BONE MARROW FAILURE SYNDROME, TELOMERE-RELATED, 3. Identifiers: Orphanet 2032, MedGen C4225346, MONDO:0014613, OMIM 616373.
Dyskeratosis congenita, autosomal recessive 5 (DKCB5). Identifiers: MedGen C3554656, MONDO:0014076, OMIM 615190.
Inborn genetic diseases. Identifiers: MedGen C0950123, MeSH D030342.

Allele frequency attached by ClinVar (database versions not stated): TOPMed below 0.00001; ExAC 0.00001.
gnomAD v4.1: 1 of 1,612,668 alleles (0.000062%); highest among the groups gnomAD compares: Non-Finnish European, 0.000085%; no homozygotes.

Submissions (2):

Ambry Genetics
Classification: Uncertain significance for Inborn genetic diseases. Last evaluated: 2024-11-23. Review status: criteria provided, single submitter. Criteria: Ambry Variant Classification Scheme 2023. Collection method: clinical testing. Allele origin: germline.
Comment: The p.D507A variant (also known as c.1520A>C), located in coding exon 17 of the RTEL1 gene, results from an A to C substitution at nucleotide position 1520. The aspartic acid at codon 507 is replaced by alanine, an amino acid with dissimilar properties. This amino acid position is conserved. In addition, this alteration is predicted to be tolerated by in silico analysis. Based on the available evidence, the clinical significance of this variant remains unclear.

Labcorp Genetics (formerly Invitae), Labcorp
Classification: Uncertain significance for Dyskeratosis congenita, autosomal recessive 5; Pulmonary fibrosis and/or bone marrow failure, Telomere-related, 3. Last evaluated: 2022-07-15. Review status: criteria provided, single submitter. Criteria: Invitae Variant Classification Sherloc (09022015). Collection method: clinical testing. Allele origin: germline.
Comment: This sequence change replaces aspartic acid, which is acidic and polar, with alanine, which is neutral and non-polar, at codon 507 of the RTEL1 protein (p.Asp507Ala). This variant is present in population databases (rs745723707, gnomAD 0.0009%). This variant has not been reported in the literature in individuals affected with RTEL1-related conditions. Algorithms developed to predict the effect of missense changes on protein structure and function (SIFT, PolyPhen-2, Align-GVGD) all suggest that this variant is likely to be tolerated. In summary, the available evidence is currently insufficient to determine the role of this variant in disease. Therefore, it has been classified as a Variant of Uncertain Significance.

NM_001283009.2(RTEL1):c.1520A>C (p.Asp507Ala)

Genes: RTEL1 (regulator of telomere elongation helicase 1; plus strand), RTEL1-TNFRSF6B (RTEL1-TNFRSF6B readthrough (NMD candidate); plus strand). Cytogenetic location: 20q13.33.
Variant type: single nucleotide variant.
Coding change: c.1520A>C on transcript NM_001283009.2 (MANE Select); coding-DNA position 1520, A replaced by C.
Protein change: p.Asp507Ala; replaces aspartic acid 507 with alanine.
Molecular consequence: missense variant. On other transcripts: non-coding transcript variant (1).
Genome position (GRCh38, 1-based): chr20:63,687,975, A>C. VCF-style: chr20-63687975-A-C. GRCh37 (hg19) VCF-style: chr20-62319328-A-C.
Other names: c.851A>C, p.Asp284Ala (NM_001283010.1); c.1520A>C, p.Asp507Ala (NM_016434.4); c.1592A>C, p.Asp531Ala (NM_032957.5); short protein forms D507A, D284A, D531A.
Identifiers: ClinVar variation 2180579 (VCV002180579.2), dbSNP rs745723707, ClinGen allele CA9964833.